The following is an entry in ClinVar:

NM_020791.4(TAOK1):c.1339-1G>T

Gene: TAOK1 (TAO kinase 1; plus strand). Cytogenetic location: 17q11.2.
Variant type: single nucleotide variant.
Coding change: c.1339-1G>T on transcript NM_020791.4 (MANE Select); the canonical splice acceptor site of the intron before coding-DNA position 1339, G replaced by T.
Molecular consequence: splice acceptor variant.
Genome position (GRCh38, 1-based): chr17:29,507,895, G>T. VCF-style: chr17-29507895-G-T. GRCh37 (hg19) VCF-style: chr17-27834913-G-T.
Other names: c.1339-1G>T (NM_025142.1).
Identifiers: ClinVar variation 4884811 (VCV004884811.1).

ClinVar aggregate classification (germline): Pathogenic (0 of 4 stars; one submission).

Conditions:
Developmental delay with or without intellectual impairment or behavioral abnormalities. Identifiers: MedGen C5562004, MONDO:0859199, OMIM 619575.

Submission:

Hong-Tao Li Lab, Institute of Brain Science and Brain-inspired Research, Shandong First Medical University & Shandong Academy of Medical Sciences China
Classification: Pathogenic for Developmental delay with or without intellectual impairment or behavioral abnormalities. Review status: no assertion criteria provided. Collection method: research. Allele origin: germline. Inheritance: Autosomal dominant inheritance. Affected: yes. Observed: 1 variant allele, 1 heterozygote.
Comment: Observed in affected individuals from a Pakistani neurodevelopmental-disorder research cohort of 263 individuals. Classification assigned using the ACMG/AMP framework.